The following is an entry in ClinVar:

ClinVar aggregate classification (germline): Conflicting classifications of pathogenicity. Review status: criteria provided, conflicting classifications (1 of 4 stars). 6 submissions from 6 submitters: Uncertain significance (1); Likely benign (4). 1 of the submissions does not count toward it. Last evaluated 2026-06-09.

Conditions:
FGFR3-related disorder. Also called: FGFR3-related disorders.
Inborn genetic diseases. Identifiers: MedGen C0950123, MeSH D030342.

Allele frequency attached by ClinVar (database versions not stated): ExAC 0.00017; gnomAD exomes 0.00017 and 0.00003; TOPMed 0.00009.

Submissions (6):

Women's Health and Genetics/Laboratory Corporation of America, LabCorp
Classification: Likely benign. Last evaluated: 2026-06-09. Review status: criteria provided, single submitter. Criteria: LabCorp Variant Classification Summary - May 2015. Collection method: clinical testing. Allele origin: germline.
Comment: Variant summary: FGFR3 c.967G>A (p.Val323Ile) results in a conservative amino acid change in the encoded protein sequence. Algorithms developed to predict the effect of missense changes on protein structure and function are either unavailable or do not agree on the potential impact of this missense change. The variant allele was found at a frequency of 0.00017 in 250646 control chromosomes, predominantly at a frequency of 0.0012 within the Latino subpopulation in the gnomAD database. The observed variant frequency within Latino control individuals in the gnomAD database exceeds the estimated maximal expected allele frequency for disease-causing variants in FGFR3. To our knowledge, no occurrence of c.967G>A in individuals affected with FGFR3-related conditions and no experimental evidence demonstrating its impact on protein function have been reported. ClinVar contains an entry for this variant (Variation ID: 447332). Based on the evidence outlined above, the variant was classified as likely benign.

Labcorp Genetics (formerly Invitae), Labcorp
Classification: Likely benign. Last evaluated: 2025-11-23. Review status: criteria provided, single submitter. Criteria: Invitae Variant Classification Sherloc (09022015). Collection method: clinical testing. Allele origin: germline.

Ambry Genetics
Classification: Uncertain significance for Inborn genetic diseases. Last evaluated: 2021-10-26. Review status: criteria provided, single submitter. Criteria: Ambry Variant Classification Scheme 2023. Collection method: clinical testing. Allele origin: germline.

GeneDx
Classification: Likely benign. Last evaluated: 2021-06-15. Review status: criteria provided, single submitter. Criteria: GeneDx Variant Classification Process June 2021. Collection method: clinical testing. Allele origin: germline. Affected: yes.

Athena Diagnostics
Classification: Likely benign. Last evaluated: 2018-06-14. Review status: criteria provided, single submitter. Criteria: Athena Diagnostics Criteria. Collection method: clinical testing. Allele origin: germline.

PreventionGenetics, part of Exact Sciences
Classification: Likely benign for FGFR3-related condition. Last evaluated: 2021-04-01. Review status: no assertion criteria provided. Collection method: clinical testing. Allele origin: germline. Not counted in ClinVar's aggregate classification.
Comment: This variant is classified as likely benign based on ACMG/AMP sequence variant interpretation guidelines (Richards et al. 2015 PMID: 25741868, with internal and published modifications).

NM_000142.5(FGFR3):c.967G>A (p.Val323Ile)

Gene: FGFR3 (fibroblast growth factor receptor 3; plus strand). Cytogenetic location: 4p16.3.
Variant type: single nucleotide variant.
Coding change: c.967G>A on transcript NM_000142.5 (MANE Select); coding-DNA position 967, G replaced by A.
Protein change: p.Val323Ile; replaces valine 323 with isoleucine.
Molecular consequence: missense variant. On other transcripts: non-coding transcript variant (1), intron variant (2).
Genome position (GRCh38, 1-based): chr4:1,803,728, G>A. VCF-style: chr4-1803728-G-A. GRCh37 (hg19) VCF-style: chr4-1805455-G-A.
Other names: c.967G>A, p.Val323Ile (NM_001354809.2, NM_001354810.2); c.1082-602G>A (NM_001163213.2); c.931-1096G>A (NM_022965.4); short protein forms V323I.
Identifiers: ClinVar variation 447332 (VCV000447332.15), dbSNP rs753520867, ClinGen allele CA2810147.